The following is an entry in ClinVar:

NM_001385641.1(SAMD11):c.1867G>A (p.Gly623Ser)

Gene: SAMD11 (sterile alpha motif domain containing 11; plus strand). Cytogenetic location: 1p36.33.
Variant type: single nucleotide variant.
Coding change: c.1867G>A on transcript NM_001385641.1 (MANE Select); coding-DNA position 1867, G replaced by A.
Protein change: p.Gly623Ser; replaces glycine 623 with serine.
Molecular consequence: missense variant.
Genome position (GRCh38, 1-based): chr1:942,872, G>A. VCF-style: chr1-942872-G-A. GRCh37 (hg19) VCF-style: chr1-878252-G-A.
Other names: c.1870G>A, p.Gly624Ser (NM_001385640.1); c.1378G>A, p.Gly460Ser (NM_152486.4); short protein forms G623S, G624S, G460S.
Identifiers: ClinVar variation 1424531 (VCV001424531.6), dbSNP rs769932481, ClinGen allele CA503005.
Genomic context (GRCh38, chr1:942,872, plus strand): 5'-GCCTCAGCGCGGCCCAGCGAGTCCAAGGAGATGACGGGGGCTAGGCTCTGGGCACAAGAT[G>A]GCTCGGAAGACGAGCCCCCCAAAGACTCGGACGGAGAGGACCCCGAGACGGCAGCTGTTG-3'
Protein context (NP_001372570.1, residues 613-633): MTGARLWAQD[Gly623Ser]SEDEPPKDSD

ClinVar aggregate classification (germline): Uncertain significance (1 of 4 stars; one submission).

Allele frequency attached by ClinVar (database versions not stated): gnomAD exomes below 0.00001 and 0.00001; TOPMed below 0.00001; gnomAD 0.00001.
gnomAD v4.1: 2 of 1,554,126 alleles (0.00013%); highest among the groups gnomAD compares: Admixed American, 0.0039%; no homozygotes.

Submission:

Labcorp Genetics (formerly Invitae), Labcorp
Classification: Uncertain significance. Last evaluated: 2022-08-22. Review status: criteria provided, single submitter. Criteria: Invitae Variant Classification Sherloc (09022015). Collection method: clinical testing. Allele origin: germline.
Comment: In summary, the available evidence is currently insufficient to determine the role of this variant in disease. Therefore, it has been classified as a Variant of Uncertain Significance. Algorithms developed to predict the effect of missense changes on protein structure and function (SIFT, PolyPhen-2, Align-GVGD) all suggest that this variant is likely to be tolerated. ClinVar contains an entry for this variant (Variation ID: 1424531). This variant has not been reported in the literature in individuals affected with SAMD11-related conditions. This variant is present in population databases (rs769932481, gnomAD 0.008%). This sequence change replaces glycine, which is neutral and non-polar, with serine, which is neutral and polar, at codon 460 of the SAMD11 protein (p.Gly460Ser).